The following is an entry in ClinVar:

ClinVar aggregate classification (germline): Uncertain significance. Review status: criteria provided, single submitter (1 of 4 stars). 2 submissions from 2 submitters: Uncertain significance (1). 1 of the submissions does not count toward it. Last evaluated 2022-04-17.

Conditions:
Usher syndrome type 1F (USH1F). Also called: USHER SYNDROME, TYPE IF. Identifiers: Orphanet 231169, Orphanet 886, MedGen C1865885, MONDO:0011186, OMIM 602083.

Submissions (2):

Labcorp Genetics (formerly Invitae), Labcorp
Classification: Uncertain significance. Last evaluated: 2022-04-17. Review status: criteria provided, single submitter. Criteria: Invitae Variant Classification Sherloc (09022015). Collection method: clinical testing. Allele origin: germline.
Comment: This variant, c.5472_5495del, results in the deletion of 8 amino acid(s) of the PCDH15 protein (p.Ile1825_Ser1832del), but otherwise preserves the integrity of the reading frame. This variant is present in population databases (rs763534924, gnomAD 0.003%). This variant has not been reported in the literature in individuals affected with PCDH15-related conditions. ClinVar contains an entry for this variant (Variation ID: 550804). In summary, the available evidence is currently insufficient to determine the role of this variant in disease. Therefore, it has been classified as a Variant of Uncertain Significance.

Counsyl
Classification: Uncertain significance for Usher syndrome type 1F. Last evaluated: 2017-02-21. Review status: no assertion criteria provided. Collection method: clinical testing. Allele origin: unknown. Not counted in ClinVar's aggregate classification.

NM_033056.4(PCDH15):c.5472_5495del (p.Ile1825_Ser1832del)

Gene: PCDH15 (protocadherin related 15; minus strand). Cytogenetic location: 10q21.1.
Variant type: Deletion.
Coding change: c.5472_5495del on transcript NM_033056.4 (MANE Plus Clinical); coding-DNA positions 5472 to 5495, 24 bases deleted (TATTCCTTGCCCTCCACCTCCTTC).
Protein change: p.Ile1825_Ser1832del.
Molecular consequence: inframe deletion. On other transcripts: intron variant (8).
Genome position (GRCh38, 1-based): chr10:53,822,231-53,822,254, GAAGGAGGTGGAGGGCAAGGAATA deleted on the plus strand (TATTCCTTGCCCTCCACCTCCTTC on the coding strand, the reverse complement: PCDH15 is on the minus strand); deleting any 24 consecutive bases within chr10:53,822,231-53,822,265 gives the same sequence; the c. name uses the placement nearest the transcript's 3' end. VCF-style (leftmost placement, unchanged base first): chr10-53822230-TGAAGGAGGTGGAGGGCAAGGAATA-T. GRCh37 (hg19) VCF-style: chr10-55581990-TGAAGGAGGTGGAGGGCAAGGAATA-T.
Other names: c.5493_5516del, p.Ile1832_Ser1839del (NM_001142763.2); c.5478_5501del, p.Ile1827_Ser1834del (NM_001142764.2); c.5265_5288del, p.Ile1756_Ser1763del (NM_001142765.2); c.5463_5486del, p.Ile1822_Ser1829del (NM_001142766.2); c.5352_5375del, p.Ile1785_Ser1792del (NM_001142767.2); c.5412_5435del, p.Ile1805_Ser1812del (NM_001142768.2); c.5403_5426del, p.Ile1802_Ser1809del (NM_001142773.2); c.5406_5429del, p.Ile1803_Ser1810del (NM_001354404.2); and 7 more.
Identifiers: ClinVar variation 550804 (VCV000550804.4), dbSNP rs763534924, ClinGen allele CA5505021.
Genomic context (GRCh38, chr10:53,822,230, plus strand): 5'-CAAGTTGGTCGTGCATTTAACACCTGTTATACAGACACACTCTGTGGACAGAAATGAAGC[TGAAGGAGGTGGAGGGCAAGGAATA>T]GAAGGAGGTGGTGGAGGAAGAGGAGTTGGAAATGGAGGTAGAAGAGGTGGTGTTGGGGGA-3'